The following is an entry in ClinVar:

NM_004836.7(EIF2AK3):c.1762C>T (p.Arg588Ter)

Gene: EIF2AK3 (eukaryotic translation initiation factor 2 alpha kinase 3; minus strand). Cytogenetic location: 2p11.2.
Variant type: single nucleotide variant.
Coding change: c.1762C>T on transcript NM_004836.7 (MANE Select); coding-DNA position 1762, C replaced by T.
Protein change: p.Arg588Ter; replaces arginine 588 with a stop codon.
Molecular consequence: nonsense.
Genome position (GRCh38, 1-based): chr2:88,583,431, G>A on the plus strand (C>T on the coding strand, the complement: EIF2AK3 is on the minus strand). VCF-style: chr2-88583431-G-A. GRCh37 (hg19) VCF-style: chr2-88882949-G-A.
Other names: c.1309C>T, p.Arg437Ter (NM_001313915.2); short protein forms R437*, R588*.
Identifiers: ClinVar variation 2578862 (VCV002578862.27), dbSNP rs754973185, ClinGen allele CA1754613.
Genomic context (GRCh38, chr2:88,583,431, plus strand): 5'-ACAAGATCTTAGGTCATTTCTTCTTTGATTCAGATGGTTGTATTTTATAAGACTCTTACC[G>A]TGATATATATCCAGAGTTTTTTATGTCATTCCAGCTACTGTCATTGGCTTCACCACTTAC-3'

ClinVar aggregate classification (germline): Pathogenic/Likely pathogenic. Review status: criteria provided, multiple submitters, no conflicts (2 of 4 stars). 4 submissions from 4 submitters: Pathogenic (2); Likely pathogenic (2). Last evaluated 2024-06-19.

Conditions:
EIF2AK3-related disorders.
Wolcott-Rallison dysplasia. Also called: MED-IDDM SYNDROME; Wolcott-Rallison syndrome. Identifiers: Orphanet 1667, MedGen C0432217, MONDO:0009192, OMIM 226980.

Allele frequency attached by ClinVar (database versions not stated): ExAC 0.00001.
gnomAD v4.1: 8 of 1,603,310 alleles (0.0005%); highest among the groups gnomAD compares: South Asian, 0.0011%; no homozygotes.

Submissions (4):

Fulgent Genetics
Classification: Likely pathogenic for Wolcott-Rallison dysplasia. Last evaluated: 2024-06-19. Review status: criteria provided, single submitter. Criteria: ACMG Guidelines, 2015. Collection method: clinical testing. Allele origin: germline.

Baylor Genetics
Classification: Pathogenic for Wolcott-Rallison dysplasia. Last evaluated: 2024-03-26. Review status: criteria provided, single submitter. Criteria: ACMG Guidelines, 2015. Collection method: clinical testing. Allele origin: unknown.

CeGaT Center for Human Genetics Tuebingen
Classification: Pathogenic. Last evaluated: 2023-07-01. Review status: criteria provided, single submitter. Criteria: CeGaT Center For Human Genetics Tuebingen Variant Classification Criteria Version 2. Collection method: clinical testing. Allele origin: germline. Affected: yes. Observed: 1 variant allele.
Comment: EIF2AK3: PVS1, PM3:Strong, PM2

Blueprint Genetics
Classification: Likely pathogenic for EIF2AK3-related disorders. Last evaluated: 2021-11-08. Review status: criteria provided, single submitter. Criteria: ACMG Guidelines, 2015. Collection method: clinical testing. Allele origin: germline. Affected: yes. Observed: 3 variant alleles.